The following is an entry in ClinVar:

ClinVar aggregate classification (germline): Uncertain significance. Review status: criteria provided, single submitter (1 of 4 stars). 2 submissions from 2 submitters: Uncertain significance (1). 1 of the submissions does not count toward it. Last evaluated 2026-03-26.

Submissions (2):

GeneDx
Classification: Uncertain significance. Last evaluated: 2026-03-26. Review status: criteria provided, single submitter. Criteria: GeneDx Variant Classification Process June 2021. Collection method: clinical testing. Allele origin: germline.
Comment: Not observed at significant frequency in large population cohorts (gnomAD); Has not been previously published as pathogenic or benign to our knowledge; Reported using an alternate transcript of the gene; Nonsense variant predicted to result in protein truncation or nonsense mediated decay in a gene or region of a gene for which loss of function is not an established mechanism of disease

Gharavi Laboratory, Columbia University
Classification: Uncertain significance. Last evaluated: 2018-09-16. Review status: no assertion criteria provided. Criteria: ACMG Guidelines, 2015. Collection method: research. Allele origin: germline. Affected: yes. Not counted in ClinVar's aggregate classification.

NM_001166355.2(LFNG):c.159_166del (p.Trp53_Glu56delinsTer)

Gene: LFNG (LFNG O-fucosylpeptide 3-beta-N-acetylglucosaminyltransferase; plus strand). Cytogenetic location: 7p22.3.
Variant type: Microsatellite.
Coding change: c.159_166del on transcript NM_001166355.2; coding-DNA positions 159 to 166, 8 bases deleted (GATGGATG; older notation c.159_166delGATGGATG).
Protein change: p.Trp53_Glu56delinsTer.
Molecular consequence: nonsense.
Genome position (GRCh38, 1-based): chr7:2,513,268-2,513,275, GATGGATG deleted; deleting any 8 consecutive bases within chr7:2,513,248-2,513,275 gives the same sequence; the c. name uses the placement nearest the transcript's 3' end. VCF-style (leftmost placement, unchanged base first): chr7-2513247-AGATGGATG-A. GRCh37 (hg19) VCF-style: chr7-2552881-AGATGGATG-A.
Identifiers: ClinVar variation 591987 (VCV000591987.4), dbSNP rs34637446, ClinGen allele CA4126798.